The following is an entry in ClinVar:

ClinVar aggregate classification (germline): Uncertain significance (1 of 4 stars; one submission).

Conditions:
Inborn genetic diseases. Identifiers: MedGen C0950123, MeSH D030342.

Submission:

Ambry Genetics
Classification: Uncertain significance for Inborn genetic diseases. Last evaluated: 2019-11-21. Review status: criteria provided, single submitter. Criteria: Ambry Variant Classification Scheme 2023. Collection method: clinical testing. Allele origin: germline.
Comment: The p.L16S variant (also known as c.47T>C), located in coding exon 1 of the DYNC1H1 gene, results from a T to C substitution at nucleotide position 47. The leucine at codon 16 is replaced by serine, an amino acid with dissimilar properties. This amino acid position is not well conserved in available vertebrate species. In addition, this alteration is predicted to be tolerated by in silico analysis. Since supporting evidence is limited at this time, the clinical significance of this alteration remains unclear.

NM_001376.5(DYNC1H1):c.47T>C (p.Leu16Ser)

Gene: DYNC1H1 (dynein cytoplasmic 1 heavy chain 1; plus strand). Cytogenetic location: 14q32.31.
Variant type: single nucleotide variant.
Coding change: c.47T>C on transcript NM_001376.5 (MANE Select); coding-DNA position 47, T replaced by C.
Protein change: p.Leu16Ser; replaces leucine 16 with serine.
Molecular consequence: missense variant.
Genome position (GRCh38, 1-based): chr14:101,964,738, T>C. VCF-style: chr14-101964738-T-C. GRCh37 (hg19) VCF-style: chr14-102431075-T-C.
Other names: short protein forms L16S.
Identifiers: ClinVar variation 1743189 (VCV001743189.2), dbSNP rs2503643622, ClinGen allele CA391003042.